The following is an entry in ClinVar:

ClinVar aggregate classification (germline): Likely pathogenic (1 of 4 stars; one submission).

Conditions:
Blepharophimosis, ptosis, and epicanthus inversus syndrome. Identifiers: Orphanet 126, MedGen C0220663, MONDO:0007201, OMIM 110100.

Submission:

Genomic Diagnostic Laboratory, Division of Genomic Diagnostics, Children's Hospital of Philadelphia
Classification: Likely pathogenic for Blepharophimosis, ptosis, and epicanthus inversus syndrome. Last evaluated: 2016-11-03. Review status: criteria provided, single submitter. Criteria: DGD Variant Analysis Guidelines. Collection method: clinical testing. Allele origin: germline. Affected: yes. Observed: 1 variant allele.
Comment: Clinical Testing

NM_023067.4(FOXL2):c.340A>G (p.Lys114Glu)

Gene: FOXL2 (forkhead box L2; minus strand). Cytogenetic location: 3q22.3.
Variant type: single nucleotide variant.
Coding change: c.340A>G on transcript NM_023067.4 (MANE Select); coding-DNA position 340, A replaced by G.
Protein change: p.Lys114Glu; replaces lysine 114 with glutamic acid.
Molecular consequence: missense variant.
Genome position (GRCh38, 1-based): chr3:138,946,383, T>C on the plus strand (A>G on the coding strand, the complement: FOXL2 is on the minus strand). VCF-style: chr3-138946383-T-C. GRCh37 (hg19) VCF-style: chr3-138665225-T-C.
Other names: short protein forms K114E.
Identifiers: ClinVar variation 369908 (VCV000369908.1), dbSNP rs1057516159, ClinGen allele CA10654886.